The following is an entry in ClinVar:

ClinVar aggregate classification (germline): Uncertain significance (1 of 4 stars; one submission).

Allele frequency attached by ClinVar (database versions not stated): ExAC 0.00003; gnomAD 0.00004; 1000 Genomes Project 30x 0.00016; 1000 Genomes Project 0.00020.

Submission:

Labcorp Genetics (formerly Invitae), Labcorp
Classification: Uncertain significance. Last evaluated: 2022-08-20. Review status: criteria provided, single submitter. Criteria: Invitae Variant Classification Sherloc (09022015). Collection method: clinical testing. Allele origin: germline.
Comment: This variant is present in population databases (rs548263919, gnomAD 0.01%). Algorithms developed to predict the effect of missense changes on protein structure and function output the following: SIFT: "Tolerated"; PolyPhen-2: "Benign"; Align-GVGD: "Class C0". The isoleucine amino acid residue is found in multiple mammalian species, which suggests that this missense change does not adversely affect protein function. This missense change has been observed in individual(s) with PLEKHG2-related conditions (PMID: 25363768). This sequence change replaces valine, which is neutral and non-polar, with isoleucine, which is neutral and non-polar, at codon 1248 of the PLEKHG2 protein (p.Val1248Ile). In summary, the available evidence is currently insufficient to determine the role of this variant in disease. Therefore, it has been classified as a Variant of Uncertain Significance.

Literature cited by the submitters: PubMed 25363768.

NM_022835.3(PLEKHG2):c.3742G>A (p.Val1248Ile)

Gene: PLEKHG2 (pleckstrin homology and RhoGEF domain containing G2; plus strand). Cytogenetic location: 19q13.2.
Variant type: single nucleotide variant.
Coding change: c.3742G>A on transcript NM_022835.3 (MANE Select); coding-DNA position 3742, G replaced by A.
Protein change: p.Val1248Ile; replaces valine 1248 with isoleucine.
Molecular consequence: missense variant. On other transcripts: intron variant (1).
Genome position (GRCh38, 1-based): chr19:39,424,875, G>A. VCF-style: chr19-39424875-G-A. GRCh37 (hg19) VCF-style: chr19-39915515-G-A.
Other names: c.3565G>A, p.Val1189Ile (NM_001351693.2); c.1678-363G>A (NM_001351694.2); short protein forms V1189I, V1248I.
Identifiers: ClinVar variation 2152316 (VCV002152316.4), dbSNP rs548263919, ClinGen allele CA9430036.